The following is an entry in ClinVar:

NM_144672.4(OTOA):c.1432G>A (p.Val478Ile)

Gene: OTOA (otoancorin). Cytogenetic location: 16p12.2.
Variant type: single nucleotide variant.
Coding change: c.1432G>A on transcript NM_144672.4 (MANE Select); coding-DNA position 1432, G replaced by A.
Protein change: p.Val478Ile; replaces valine 478 with isoleucine.
Molecular consequence: missense variant.
Genome position (GRCh38, 1-based): chr16:21,715,096, G>A. VCF-style: chr16-21715096-G-A. GRCh37 (hg19) VCF-style: chr16-21726417-G-A.
Other names: c.1195G>A, p.Val399Ile (NM_001161683.2); c.460G>A, p.Val154Ile (NM_170664.3); short protein forms V399I, V478I, V154I.
Identifiers: ClinVar variation 4739278 (VCV004739278.1).

ClinVar aggregate classification (germline): Uncertain significance (1 of 4 stars; one submission).

gnomAD v4.1: 20 of 1,614,178 alleles (0.0012%); highest among the groups gnomAD compares: South Asian, 0.0066%; no homozygotes.

Submission:

Labcorp Genetics (formerly Invitae), Labcorp
Classification: Uncertain significance. Last evaluated: 2026-01-20. Review status: criteria provided, single submitter. Criteria: Invitae Variant Classification Sherloc (09022015). Collection method: clinical testing. Allele origin: germline.
Comment: This sequence change replaces valine, which is neutral and non-polar, with isoleucine, which is neutral and non-polar, at codon 478 of the OTOA protein (p.Val478Ile). This variant is present in population databases (rs572283930, gnomAD 0.02%). This missense change has been observed in individual(s) with deafness (PMID: 38056549). An algorithm developed to predict the effect of missense changes on protein structure and function outputs the following: PolyPhen-2: "Benign". The isoleucine amino acid residue is found in multiple mammalian species, which suggests that this missense change does not adversely affect protein function. In summary, the available evidence is currently insufficient to determine the role of this variant in disease. Therefore, it has been classified as a Variant of Uncertain Significance.

Literature cited by the submitters: PubMed 38056549.